The following is an entry in ClinVar:

NM_201596.3(CACNB2):c.1604C>T (p.Ser535Leu)

Gene: CACNB2 (calcium voltage-gated channel auxiliary subunit beta 2; plus strand). Cytogenetic location: 10p12.31.
Variant type: single nucleotide variant.
Coding change: c.1604C>T on transcript NM_201596.3 (MANE Select); coding-DNA position 1604, C replaced by T.
Protein change: p.Ser535Leu; replaces serine 535 with leucine.
Molecular consequence: missense variant.
Genome position (GRCh38, 1-based): chr10:18,539,345, C>T. VCF-style: chr10-18539345-C-T. GRCh37 (hg19) VCF-style: chr10-18828274-C-T.
Other names: c.1439C>T, p.Ser480Leu (NM_000724.4); c.1406C>T, p.Ser469Leu (NM_001167945.2); c.1325C>T, p.Ser442Leu (NM_001330060.2); c.1460C>T, p.Ser487Leu (NM_201570.3); c.1520C>T, p.Ser507Leu (NM_201571.4); c.1448C>T, p.Ser483Leu (NM_201572.4); c.1442C>T, p.Ser481Leu (NM_201590.3); c.1490C>T, p.Ser497Leu (NM_201593.3); and 1 more; short protein forms S481L, S535L, S469L, S480L, S483L, S442L, S487L, S497L.
Identifiers: ClinVar variation 9547 (VCV000009547.8), dbSNP rs121917812, ClinGen allele CA340919.

ClinVar aggregate classification (germline): Conflicting classifications of pathogenicity. Review status: criteria provided, conflicting classifications (1 of 4 stars). 4 submissions from 4 submitters: Likely pathogenic (1); Uncertain significance (1). 2 of the submissions do not count toward it. Last evaluated 2021-12-14.

Conditions:
Cardiovascular phenotype. Identifiers: MedGen CN230736.
Brugada syndrome 4 (BRGDA4). Identifiers: Orphanet 130, MedGen C2678477, MONDO:0012743, OMIM 611876.

Allele frequency attached by ClinVar (database versions not stated): gnomAD exomes below 0.00001.
gnomAD v4.1: 2 of 1,614,164 alleles (0.00012%); no homozygotes.

Submissions (4):

Ambry Genetics
Classification: Uncertain significance for Cardiovascular phenotype. Last evaluated: 2021-12-14. Review status: criteria provided, single submitter. Criteria: Ambry Variant Classification Scheme 2023. Collection method: clinical testing. Allele origin: germline.
Comment: The p.S481L variant (also known as c.1442C>T), located in coding exon 13 of the CACNB2 gene, results from a C to T substitution at nucleotide position 1442. The serine at codon 481 is replaced by leucine, an amino acid with dissimilar properties. This amino acid position is well conserved in available vertebrate species. In addition, the in silico prediction for this alteration is inconclusive. The evidence for this gene-disease relationship is limited; therefore, the clinical significance of this alteration is unclear.

Institute of Human Genetics, Heidelberg University
Classification: Likely pathogenic for Brugada syndrome 4. Last evaluated: 2021-10-14. Review status: criteria provided, single submitter. Criteria: ACMG Guidelines, 2015. Collection method: clinical testing. Allele origin: maternal.
Comment: secondary finding

OMIM
Classification: Pathogenic for BRUGADA SYNDROME 4. Last evaluated: 2007-01-30. Review status: no assertion criteria provided. Collection method: literature only. Allele origin: germline. Not counted in ClinVar's aggregate classification.

GeneReviews
No classification provided. Condition: Brugada syndrome 4. Review status: no classification provided. Collection method: literature only. Allele origin: germline. Affected: yes. Not counted in ClinVar's aggregate classification.

Literature cited by the submitters: PubMed 17224476 (cited by OMIM); NCBI Bookshelf NBK1517 (cited by GeneReviews).